The following is an entry in ClinVar:

NM_000517.6(HBA2):c.18_19insT (p.Asp7Ter)

Genes: HBA2 (hemoglobin subunit alpha 2; plus strand), LOC106804612 (hemoglobin subunit alpha 2 recombination region; plus strand). Cytogenetic location: 16p13.3.
Variant type: Insertion.
Coding change: c.18_19insT on transcript NM_000517.6 (MANE Select); coding-DNA positions 18 to 19, T inserted.
Protein change: p.Asp7Ter; replaces aspartic acid 7 with a stop codon.
Molecular consequence: nonsense.
Genome position: GRCh38 VCF-style: chr16-172930-C-CT. GRCh37 (hg19) VCF-style: chr16-222929-C-CT.
Other names: short protein forms D7*.
Identifiers: ClinVar variation 4818637 (VCV004818637.1).

ClinVar aggregate classification (germline): Likely pathogenic (1 of 4 stars; one submission).

Conditions:
alpha Thalassemia. Also called: Alpha thalassemia spectrum. Identifiers: Orphanet 846, MedGen C0002312, MONDO:0011399, OMIM 604131.

Submission:

Natera, Inc.
Classification: Likely pathogenic for Alpha thalassemia. Last evaluated: 2024-11-03. Review status: criteria provided, single submitter. Criteria: Natera Variant Classification Schema (03/2026). Collection method: clinical testing. Allele origin: germline.
Comment: The c.18_19insT variant in HBA2 is a frameshift variant predicted to shift the reading frame and introduce a stop codon. This variant is expected to result in nonsense mediated decay, truncation, or a dysfunctional protein product. This variant is rare in the general population with a frequency below the threshold expected for the associated phenotype(s). Given the available evidence, this variant is classified as Likely Pathogenic.